The following is an entry in ClinVar:

NM_005149.3(TBX19):c.388A>G (p.Asn130Asp)

Gene: TBX19 (T-box transcription factor 19; plus strand). Cytogenetic location: 1q24.2.
Variant type: single nucleotide variant.
Coding change: c.388A>G on transcript NM_005149.3 (MANE Select); coding-DNA position 388, A replaced by G.
Protein change: p.Asn130Asp; replaces asparagine 130 with aspartic acid.
Molecular consequence: missense variant.
Genome position (GRCh38, 1-based): chr1:168,291,344, A>G. VCF-style: chr1-168291344-A-G. GRCh37 (hg19) VCF-style: chr1-168260582-A-G.
Other names: short protein forms N130D.
Identifiers: ClinVar variation 3613613 (VCV003613613.2).

ClinVar aggregate classification (germline): Uncertain significance (1 of 4 stars; one submission).

gnomAD v4.1: 2 of 1,614,164 alleles (0.00012%); highest among the groups gnomAD compares: Non-Finnish European, 0.00017%; no homozygotes.

Submission:

Labcorp Genetics (formerly Invitae), Labcorp
Classification: Uncertain significance. Last evaluated: 2024-07-23. Review status: criteria provided, single submitter. Criteria: Invitae Variant Classification Sherloc (09022015). Collection method: clinical testing. Allele origin: germline.
Comment: This sequence change replaces asparagine, which is neutral and polar, with aspartic acid, which is acidic and polar, at codon 130 of the TBX19 protein (p.Asn130Asp). This variant is not present in population databases (gnomAD no frequency). This variant has not been reported in the literature in individuals affected with TBX19-related conditions. An algorithm developed to predict the effect of missense changes on protein structure and function (PolyPhen-2) suggests that this variant is likely to be disruptive. In summary, the available evidence is currently insufficient to determine the role of this variant in disease. Therefore, it has been classified as a Variant of Uncertain Significance.